The following is an entry in ClinVar:

NM_024678.6(NARS2):c.1385T>C (p.Ile462Thr)

Gene: NARS2 (asparaginyl-tRNA synthetase 2, mitochondrial; minus strand). Cytogenetic location: 11q14.1.
Variant type: single nucleotide variant.
Coding change: c.1385T>C on transcript NM_024678.6 (MANE Select); coding-DNA position 1385, T replaced by C.
Protein change: p.Ile462Thr; replaces isoleucine 462 with threonine.
Molecular consequence: missense variant.
Genome position (GRCh38, 1-based): chr11:78,436,719, A>G on the plus strand (T>C on the coding strand, the complement: NARS2 is on the minus strand). VCF-style: chr11-78436719-A-G. GRCh37 (hg19) VCF-style: chr11-78147765-A-G.
Other names: c.704T>C, p.Ile235Thr (NM_001243251.2); short protein forms I235T, I462T.
Identifiers: ClinVar variation 1328136 (VCV001328136.4), dbSNP rs2135124578, ClinGen allele CA382178113.
Genomic context (GRCh38, chr11:78,436,719, plus strand): 5'-CAATCTTCCAGCTATAAAAGGCATGAATGAGGAAACCTTGGGAAAGGGATAACATCTTTG[A>G]TATTGTCAACACCCAAGATGCACTGCAGGTAGCGTTCAAATCCCATCCCAAAACCTCCAT-3'
Protein context (NP_078954.4, residues 452-472): YLQCILGVDN[Ile462Thr]KDVIPFPRFP

ClinVar aggregate classification (germline): Uncertain significance (1 of 4 stars; one submission).

Conditions:
NARS2-related primary mitochondrial disorder.

Allele frequency attached by ClinVar (database versions not stated): gnomAD exomes below 0.00001.
gnomAD v4.1: 1 of 1,614,198 alleles (0.000062%); highest among the groups gnomAD compares: Non-Finnish European, 0.000085%; no homozygotes.

Submission:

Illumina Laboratory Services, Illumina
Classification: Uncertain significance for NARS2-related primary mitochondrial disorder. Last evaluated: 2021-11-02. Review status: criteria provided, single submitter. Criteria: ICSLVariantClassificationCriteria RUGD 01 April 2020. Collection method: clinical testing. Allele origin: unknown.
Comment: The NARS2 c.1385T>C (p.Ile462Thr) variant is a missense variant. A literature search was performed for the gene, cDNA change, and amino acid change. No publications were found based on this search. This variant is not found in the Genome Aggregation Database (version 2.1.1 or version 3.1.2) in a region of good sequence coverage, so the variant is presumed to be rare. Multiple in silico tools indicate that this variant will have a deleterious effect on the protein. Based on the limited evidence, the p.Ile462Thr variant is classified as a variant of uncertain significance for NARS2-related primary mitochondrial disorder.